The following is an entry in ClinVar:

ClinVar aggregate classification (germline): Likely pathogenic (1 of 4 stars; one submission).

Conditions:
Hereditary cancer-predisposing syndrome. Also called: Hereditary neoplastic syndrome; Tumor predisposition; Hereditary Cancer Syndrome; Neoplastic Syndromes, Hereditary. Identifiers: Orphanet 140162, MedGen C0027672, MeSH D009386, MONDO:0015356.

Submission:

Ambry Genetics
Classification: Likely pathogenic for Hereditary cancer-predisposing syndrome. Last evaluated: 2025-11-05. Review status: criteria provided, single submitter. Criteria: Ambry Variant Classification Scheme 2023. Collection method: clinical testing. Allele origin: germline.
Comment: The p.P179Q variant (also known as c.536C>A), located in coding exon 4 of the STK11 gene, results from a C to A substitution at nucleotide position 536. The proline at codon 179 is replaced by glutamine, an amino acid with similar properties. This variant was reported in individuals with features consistent with Peutz-Jeghers syndrome (Jiang YL et al. Orphanet J Rare Dis, 2021 Jun;16:261; Ambry internal data). Based on an internal structural assessment, this alteration is moderately destabilizing to local structure and is more destabilizing than several nearby internal pathogenic variants (Ambry internal data). This amino acid position is highly conserved in available vertebrate species. In addition, this alteration is predicted to be deleterious by in silico analysis. This variant is considered to be rare based on population cohorts in the Genome Aggregation Database (gnomAD). Based on the majority of available evidence to date, this variant is likely to be pathogenic.

Literature cited by the submitters: PubMed 34103092; PubMed 37377590.

NM_000455.5(STK11):c.536C>A (p.Pro179Gln)

Gene: STK11 (serine/threonine kinase 11; plus strand). Cytogenetic location: 19p13.3.
Variant type: single nucleotide variant.
Coding change: c.536C>A on transcript NM_000455.5 (MANE Select); coding-DNA position 536, C replaced by A.
Protein change: p.Pro179Gln; replaces proline 179 with glutamine.
Molecular consequence: missense variant. On other transcripts: non-coding transcript variant (1).
Genome position (GRCh38, 1-based): chr19:1,220,444, C>A. VCF-style: chr19-1220444-C-A. GRCh37 (hg19) VCF-style: chr19-1220443-C-A.
Other names: c.536C>A, p.Pro179Gln (NM_001407255.1); short protein forms P179Q.
Identifiers: ClinVar variation 2586607 (VCV002586607.3), dbSNP rs786202466, ClinGen allele CA402949077.